The following is an entry in ClinVar:

NM_001382567.1(STIM1):c.1664C>T (p.Ser555Phe)

Gene: STIM1 (stromal interaction molecule 1; plus strand). Cytogenetic location: 11p15.4.
Variant type: single nucleotide variant.
Coding change: c.1664C>T on transcript NM_001382567.1 (MANE Select); coding-DNA position 1664, C replaced by T.
Protein change: p.Ser555Phe; replaces serine 555 with phenylalanine.
Molecular consequence: missense variant. On other transcripts: synonymous variant (4), non-coding transcript variant (3).
Genome position (GRCh38, 1-based): chr11:4,091,311, C>T. VCF-style: chr11-4091311-C-T. GRCh37 (hg19) VCF-style: chr11-4112541-C-T.
Other names: p.Ser524Phe; c.1889C>T, p.Ser630Phe (NM_001277961.3); c.1608C>T, p.Leu536= (NM_001277962.2); c.1667C>T, p.Ser556Phe (NM_001382566.1); c.1592C>T, p.Ser531Phe (NM_001382568.1); c.1436C>T, p.Ser479Phe (NM_001382569.1); c.1343C>T, p.Ser448Phe (NM_001382570.1); c.1091C>T, p.Ser364Phe (NM_001382571.1); and 5 more; short protein forms S524F, S630F, S361F, S364F, S448F, S450F, S479F, S531F.
Identifiers: ClinVar variation 235347 (VCV000235347.61), dbSNP rs141215990, ClinGen allele CA5830586.
Genomic context (GRCh38, chr11:4,091,311, plus strand): 5'-CCTTTCTTCCTCTCTGCCCCATGTCTTGCAGGGATTTGACCCATTCCGATTCGGAGTCCT[C>T]CCTCCACATGAGTGACCGCCAGCGTGTGGCCCCCAAACCTCCTCAGATGAGCCGTGCTGC-3'
Protein context (NP_001369496.1, residues 545-565): RDLTHSDSES[Ser555Phe]LHMSDRQRVA

ClinVar aggregate classification (germline): Conflicting classifications of pathogenicity. Review status: criteria provided, conflicting classifications (1 of 4 stars). 11 submissions from 11 submitters: Uncertain significance (3); Benign (1); Likely benign (3). 4 of the submissions do not count toward it. Last evaluated 2026-08-12.

Conditions:
Myopathy with tubular aggregates (TAM). Also called: Tubular Aggregate Myopathy. Identifiers: Orphanet 2593, MedGen C0410207, MONDO:0008051.
Combined immunodeficiency due to STIM1 deficiency. Also called: STIM1 DEFICIENCY; IMMUNODEFICIENCY 10. Identifiers: Orphanet 169090, Orphanet 317430, MedGen C2748557, MONDO:0013008, OMIM 612783.
Stormorken syndrome (STRMK). Also called: THROMBOCYTOPATHY, ASPLENIA, AND MIOSIS. Identifiers: Orphanet 3204, MedGen C1861451, MONDO:0008497, OMIM 185070.
STIM1-related disorder. Also called: STIM1-related condition.
Myopathy, tubular aggregate, 1 (TAM1). Identifiers: MedGen C4011726, MONDO:0024531, OMIM 160565.

Allele frequency attached by ClinVar (database versions not stated): 1000 Genomes Project 30x 0.00078; 1000 Genomes Project 0.00080; ExAC 0.00161; gnomAD 0.00161 and 0.00163; TOPMed 0.00172; gnomAD exomes 0.00181 and 0.00182; ESP Exome Variant Server 0.00185.
gnomAD v4.1: 2,933 of 1,614,246 alleles (0.18%); highest among the groups gnomAD compares: South Asian, 0.32%; 9 homozygotes.

Submissions (11):

GeneDx
Classification: Uncertain significance. Last evaluated: 2026-08-12. Review status: criteria provided, single submitter. Criteria: GeneDx Variant Classification Process June 2021. Collection method: clinical testing. Allele origin: germline.
Comment: Reported previously, using alternate nomenclature, in a patient with myalgia, lumbar stenosis, elevated CK, and type 1 fiber atrophy on muscle histology (PMID: 34368974); Published functional studies suggest that this variant results in an increase in calcium entry in the heterologous state; however, further studies are needed (PMID: 34368974); In silico analysis supports that this missense variant has a deleterious effect on protein structure/function; This variant is associated with the following publications: (PMID: 34368974)

Labcorp Genetics (formerly Invitae), Labcorp
Classification: Benign for Myopathy with tubular aggregates; Combined immunodeficiency due to STIM1 deficiency; Stormorken syndrome. Last evaluated: 2026-02-01. Review status: criteria provided, single submitter. Criteria: Invitae Variant Classification Sherloc (09022015). Collection method: clinical testing. Allele origin: germline.

CeGaT Center for Human Genetics Tuebingen
Classification: Likely benign. Last evaluated: 2025-09-01. Review status: criteria provided, single submitter. Criteria: CeGaT Center For Human Genetics Tuebingen Variant Classification Criteria Version 2. Collection method: clinical testing. Allele origin: germline. Affected: yes. Observed: 14 variant alleles.
Comment: STIM1: BS2

Mayo Clinic Laboratories, Mayo Clinic
Classification: Likely benign. Last evaluated: 2025-07-23. Review status: criteria provided, single submitter. Criteria: ACMG Guidelines, 2015. Collection method: clinical testing. Allele origin: germline. Observed: 13 variant alleles.
Comment: BS1, BP4

Blueprint Genetics
Classification: Likely benign. Last evaluated: 2024-11-19. Review status: criteria provided, single submitter. Criteria: ACMG Guidelines, 2015. Collection method: clinical testing. Allele origin: germline.

Center for Genomics, Ann and Robert H. Lurie Children's Hospital of Chicago
Classification: Uncertain significance for Combined immunodeficiency due to STIM1 deficiency; Myopathy, tubular aggregate, 1; Stormorken syndrome. Last evaluated: 2020-08-13. Review status: criteria provided, single submitter. Criteria: ACMG Guidelines, 2015. Collection method: clinical testing. Allele origin: germline.
Comment: STIM1 NM_003156.3 exon 12 p.Ser524Phe (c.1571C>T): This variant has not been reported in the literature but is present in 0.3% (99/30616) of South Asian alleles, including 2 homozygotes, in the Genome Aggregation Database. This variant is present in ClinVar (Variation ID:235347). Evolutionary conservation and computational predictive tools suggest that this variant may impact the protein. In summary, data on this variant is insufficient for disease classification. Therefore, the clinical significance of this variant is uncertain.

Center for Pediatric Genomic Medicine, Children's Mercy Hospital and Clinics
Classification: Uncertain significance. Last evaluated: 2015-09-29. Review status: criteria provided, single submitter. Criteria: ACMG Guidelines, 2015. Collection method: clinical testing. Allele origin: germline.
ClinVar note: Converted during submission from Uncertain Significance to Uncertain significance.

PreventionGenetics, part of Exact Sciences
Classification: Likely benign for STIM1-related condition. Last evaluated: 2021-02-11. Review status: no assertion criteria provided. Collection method: clinical testing. Allele origin: germline. Not counted in ClinVar's aggregate classification.
Comment: This variant is classified as likely benign based on ACMG/AMP sequence variant interpretation guidelines (Richards et al. 2015 PMID: 25741868, with internal and published modifications).

Clinical Genetics DNA and cytogenetics Diagnostics Lab, Erasmus MC, Erasmus Medical Center
Classification: Likely benign. Review status: no assertion criteria provided. Collection method: clinical testing. Allele origin: germline. Affected: yes. Study: VKGL Data-share Consensus. Not counted in ClinVar's aggregate classification.

Genome Diagnostics Laboratory, University Medical Center Utrecht
Classification: Likely benign. Review status: no assertion criteria provided. Collection method: clinical testing. Allele origin: germline. Affected: yes. Study: VKGL Data-share Consensus. Not counted in ClinVar's aggregate classification.

Joint Genome Diagnostic Labs from Nijmegen and Maastricht, Radboudumc and MUMC+
Classification: Likely benign. Review status: no assertion criteria provided. Collection method: clinical testing. Allele origin: germline. Affected: yes. Study: VKGL Data-share Consensus. Not counted in ClinVar's aggregate classification.

Literature cited by the submitters: PubMed 34368974 (cited by Mayo Clinic Laboratories, Mayo Clinic).